The following is an entry in ClinVar:

ClinVar aggregate classification (germline): Uncertain significance (1 of 4 stars; one submission).

Conditions:
Hereditary cancer-predisposing syndrome. Also called: Tumor predisposition; Neoplastic Syndromes, Hereditary; Hereditary neoplastic syndrome; Hereditary Cancer Syndrome. Identifiers: Orphanet 140162, MedGen C0027672, MeSH D009386, MONDO:0015356.

Submission:

Ambry Genetics
Classification: Uncertain significance for Hereditary cancer-predisposing syndrome. Last evaluated: 2025-08-27. Review status: criteria provided, single submitter. Criteria: Ambry Variant Classification Scheme 2023. Collection method: clinical testing. Allele origin: germline.
Comment: The p.G499A variant (also known as c.1496G>C), located in coding exon 15 of the MUTYH gene, results from a G to C substitution at nucleotide position 1496. The glycine at codon 499 is replaced by alanine, an amino acid with similar properties. This amino acid position is conserved. In addition, this alteration is predicted to be tolerated by in silico analysis. Based on the available evidence, the clinical significance of this variant remains unclear.

NM_001048174.2(MUTYH):c.1412G>C (p.Gly471Ala)

Gene: MUTYH (mutY DNA glycosylase; minus strand). Cytogenetic location: 1p34.1.
Variant type: single nucleotide variant.
Coding change: c.1412G>C on transcript NM_001048174.2 (MANE Select); coding-DNA position 1412, G replaced by C.
Protein change: p.Gly471Ala; replaces glycine 471 with alanine.
Molecular consequence: missense variant. On other transcripts: non-coding transcript variant (7).
Genome position (GRCh38, 1-based): chr1:45,330,538, C>G on the plus strand (G>C on the coding strand, the complement: MUTYH is on the minus strand). VCF-style: chr1-45330538-C-G. GRCh37 (hg19) VCF-style: chr1-45796210-C-G.
Other names: c.1328G>C, p.Gly443Ala (NM_001407075.1); c.1445G>C, p.Gly482Ala (NM_001407077.1, NM_001293191.2, NM_001407069.1); c.1415G>C, p.Gly472Ala (NM_001407078.1, NM_001048172.2, NM_001407071.1 and 1 more transcripts); c.1373G>C, p.Gly458Ala (NM_001407079.1); c.1370G>C, p.Gly457Ala (NM_001407080.1); c.1412G>C, p.Gly471Ala (NM_001407081.1, NM_001048171.2, NM_001048173.2 and 6 more transcripts); c.1067G>C, p.Gly356Ala (NM_001407082.1, NM_001350650.2, NM_001350651.2); c.1496G>C, p.Gly499Ala (NM_001128425.2); and 5 more; short protein forms G458A, G485A, G379A, G443A, G457A, G472A, G486A, G356A.
Identifiers: ClinVar variation 4113284 (VCV004113284.1).